The following is an entry in ClinVar:

NM_000875.5(IGF1R):c.1762A>G (p.Met588Val)

Gene: IGF1R (insulin like growth factor 1 receptor; plus strand). Cytogenetic location: 15q26.3.
Variant type: single nucleotide variant.
Coding change: c.1762A>G on transcript NM_000875.5 (MANE Select); coding-DNA position 1762, A replaced by G.
Protein change: p.Met588Val; replaces methionine 588 with valine.
Molecular consequence: missense variant.
Genome position (GRCh38, 1-based): chr15:98,913,216, A>G. VCF-style: chr15-98913216-A-G. GRCh37 (hg19) VCF-style: chr15-99456445-A-G.
Other names: c.1762A>G, p.Met588Val (NM_001291858.2); short protein forms M588V.
Identifiers: ClinVar variation 1029961 (VCV001029961.2), dbSNP rs927339129, ClinGen allele CA275379494.

ClinVar aggregate classification (germline): Uncertain significance. Review status: criteria provided, multiple submitters, no conflicts (2 of 4 stars). 2 submissions from 2 submitters: Uncertain significance (2). Last evaluated 2021-08-19.

Conditions:
Growth delay due to insulin-like growth factor I resistance. Also called: Somatomedin end-organ insensitivity to; Somatomedin-c resistance to; IGF-1 resistance; IGF-I RESISTANCE; Insulin-Like Growth Factor I Resistance. Identifiers: Orphanet 73273, MedGen C1849157, MONDO:0010038, OMIM 270450.

Allele frequency attached by ClinVar (database versions not stated): gnomAD exomes 0.00003.
gnomAD v4.1: 45 of 1,614,196 alleles (0.0028%); highest among the groups gnomAD compares: Middle Eastern, 0.016%; no homozygotes.

Submissions (2):

Fulgent Genetics
Classification: Uncertain significance for Growth delay due to insulin-like growth factor I resistance. Last evaluated: 2021-08-19. Review status: criteria provided, single submitter. Criteria: ACMG Guidelines, 2015. Collection method: clinical testing. Allele origin: unknown.

Baylor Genetics
Classification: Uncertain significance for Growth delay due to insulin-like growth factor I resistance. Last evaluated: 2019-09-30. Review status: criteria provided, single submitter. Criteria: ACMG Guidelines, 2015. Collection method: clinical testing. Allele origin: unknown. Affected: yes.
Comment: This variant was determined to be of uncertain significance according to ACMG Guidelines, 2015 [PMID:25741868].